The following is an entry in ClinVar:

ClinVar aggregate classification (germline): Likely pathogenic (1 of 4 stars; one submission).

Conditions:
Usher syndrome type 2C. Also called: Usher syndrome, type 2B; USHER SYNDROME, TYPE IIC. Identifiers: Orphanet 231178, Orphanet 886, MedGen C2931213, MONDO:0011558, OMIM 605472.
Febrile seizures, familial, 4 (FEB4). Also called: CONVULSIONS, FAMILIAL FEBRILE, 4. Identifiers: MedGen C1858493, MONDO:0011443, OMIM 604352.

Submission:

Juno Genomics, Hangzhou Juno Genomics, Inc
Classification: Likely pathogenic for Febrile seizures, familial, 4; Usher syndrome type 2C. Review status: criteria provided, single submitter. Criteria: ACMG Guidelines, 2015. Collection method: clinical testing. Allele origin: germline.
Comment: Null variant in a gene where loss of function (LOF) is a known mechanism of disease.;Absent from controls (or at extremely low frequency if recessive) in Genome Aggregation Database.

NM_032119.4(ADGRV1):c.17041C>T (p.Gln5681Ter)

Gene: ADGRV1 (adhesion G protein-coupled receptor V1; plus strand). Cytogenetic location: 5q14.3.
Variant type: single nucleotide variant.
Coding change: c.17041C>T on transcript NM_032119.4 (MANE Select); coding-DNA position 17041, C replaced by T.
Protein change: p.Gln5681Ter; replaces glutamine 5681 with a stop codon.
Molecular consequence: nonsense. On other transcripts: non-coding transcript variant (1).
Genome position (GRCh38, 1-based): chr5:90,848,658, C>T. VCF-style: chr5-90848658-C-T. GRCh37 (hg19) VCF-style: chr5-90144475-C-T.
Other names: short protein forms Q5681*.
Identifiers: ClinVar variation 5006934 (VCV005006934.2).
Genomic context (GRCh38, chr5:90,848,658, plus strand): 5'-TTTTATAGATATATTTTTATACTTAGATTCTTTTTCCAGATAACTACTGAAGGAAAAATT[C>T]AAGCTTTCAGTGTTGCCAGCCGAACTCTTTTCTATGAGATTCTTTGTTCTCTTATTAACC-3'